The following is an entry in ClinVar:

ClinVar aggregate classification (germline): Conflicting classifications of pathogenicity. Review status: criteria provided, conflicting classifications (1 of 4 stars). 2 submissions from 2 submitters: Likely pathogenic (1); Uncertain significance (1). Last evaluated 2024-04-25.

Conditions:
Bardet-Biedl syndrome (BBS). Identifiers: Orphanet 110, MedGen C0752166, MONDO:0015229.
Bardet-Biedl syndrome 4 (BBS4). Identifiers: Orphanet 110, MedGen C2936864, MONDO:0014433, OMIM 615982.

Submissions (2):

Labcorp Genetics (formerly Invitae), Labcorp
Classification: Uncertain significance for Bardet-Biedl syndrome. Last evaluated: 2024-04-25. Review status: criteria provided, single submitter. Criteria: Invitae Variant Classification Sherloc (09022015). Collection method: clinical testing. Allele origin: germline.
Comment: This sequence change affects a splice site in intron 15 of the BBS4 gene. While this variant is not anticipated to result in nonsense mediated decay, it likely alters RNA splicing and results in a disrupted protein product. This variant is not present in population databases (gnomAD no frequency). Disruption of this splice site has been observed in individual(s) with clinical features of Bardet-Biedl syndrome (PMID: 15770229). This variant is also known as c.1450+2delTAGG. ClinVar contains an entry for this variant (Variation ID: 1449621). Variants that disrupt the consensus splice site are a relatively common cause of aberrant splicing (PMID: 17576681, 9536098). Algorithms developed to predict the effect of sequence changes on RNA splicing suggest that this variant may disrupt the consensus splice site. In summary, the available evidence is currently insufficient to determine the role of this variant in disease. Therefore, it has been classified as a Variant of Uncertain Significance.

Fulgent Genetics
Classification: Likely pathogenic for Bardet-Biedl syndrome 4. Last evaluated: 2024-04-21. Review status: criteria provided, single submitter. Criteria: ACMG Guidelines, 2015. Collection method: clinical testing. Allele origin: germline.

Literature cited by the submitters: PubMed 15770229 (cited by Labcorp Genetics (formerly Invitae), Labcorp); PubMed 17576681 (cited by Labcorp Genetics (formerly Invitae), Labcorp); PubMed 9536098 (cited by Labcorp Genetics (formerly Invitae), Labcorp).

NM_033028.5(BBS4):c.1450+2_1450+5del

Gene: BBS4 (Bardet-Biedl syndrome 4; plus strand). Cytogenetic location: 15q24.1.
Variant type: Deletion.
Coding change: c.1450+2_1450+5del on transcript NM_033028.5 (MANE Select); the canonical splice donor site of the intron after coding-DNA position 1450 through 5 bases into the intron after coding-DNA position 1450, 4 bases deleted (TAGG; older notation c.1450+2_1450+5delTAGG).
Molecular consequence: splice donor variant.
Genome position (GRCh38, 1-based): chr15:72,736,965-72,736,968, TAGG deleted; deleting any 4 consecutive bases within chr15:72,736,962-72,736,968 gives the same sequence; the c. name uses the placement nearest the transcript's 3' end. VCF-style (leftmost placement, unchanged base first): chr15-72736961-CAGGT-C. GRCh37 (hg19) VCF-style: chr15-73029302-CAGGT-C.
Other names: c.1381+2_1381+5del (NM_001320665.2); c.934+2_934+5del (NM_001252678.2).
Identifiers: ClinVar variation 1449621 (VCV001449621.6), dbSNP rs1287237832, ClinGen allele CA715512234.
Genomic context (GRCh38, chr15:72,736,961, plus strand): 5'-GCTCTAATCAAGCTCTAGGACAGGCAATGTCTTCAGCAGCTGCATACAGGACGCTCCCCT[CAGGT>C]AGGACCATACAGAGCTCCATGAAGACCTGGCAGGTACAAGCCACATGTGTCTGTCAGCAG-3'